The following is an entry in ClinVar:

NM_004994.3(MMP9):c.464C>T (p.Thr155Ile)

Gene: MMP9 (matrix metallopeptidase 9; plus strand). Cytogenetic location: 20q13.12.
Variant type: single nucleotide variant.
Coding change: c.464C>T on transcript NM_004994.3 (MANE Select); coding-DNA position 464, C replaced by T.
Protein change: p.Thr155Ile; replaces threonine 155 with isoleucine.
Molecular consequence: missense variant.
Genome position (GRCh38, 1-based): chr20:46,010,575, C>T. VCF-style: chr20-46010575-C-T. GRCh37 (hg19) VCF-style: chr20-44639214-C-T.
Other names: short protein forms T155I.
Identifiers: ClinVar variation 338547 (VCV000338547.11), dbSNP rs143024943, ClinGen allele CA9886400.
Genomic context (GRCh38, chr20:46,010,575, plus strand): 5'-CGGTGATTGACGACGCCTTTGCCCGCGCCTTCGCACTGTGGAGCGCGGTGACGCCGCTCA[C>T]CTTCACTCGCGTGTACAGCCGGGACGCAGACATCGTCATCCAGTTTGGTGTCGCGGGTGA-3'
Protein context (NP_004985.2, residues 145-165): FALWSAVTPL[Thr155Ile]FTRVYSRDAD

ClinVar aggregate classification (germline): Uncertain significance. Review status: criteria provided, multiple submitters, no conflicts (2 of 4 stars). 2 submissions from 2 submitters: Uncertain significance (2). Last evaluated 2025-12-26.

Conditions:
Metaphyseal anadysplasia 2 (MANDP2). Also called: Metaphyseal anadysplasia 2, autosomal recessive. Identifiers: Orphanet 1040, MedGen C2751322, MONDO:0013113, OMIM 613073.

Allele frequency attached by ClinVar (database versions not stated): 1000 Genomes Project 0.00040; TOPMed 0.00043; 1000 Genomes Project 30x 0.00047; gnomAD exomes 0.00048; gnomAD 0.00052 and 0.00053; ExAC 0.00057; ESP Exome Variant Server 0.00062.
gnomAD v4.1: 1,331 of 1,614,184 alleles (0.082%); highest among the groups gnomAD compares: Non-Finnish European, 0.1%; 1 homozygote.

Submissions (2):

Labcorp Genetics (formerly Invitae), Labcorp
Classification: Uncertain significance. Last evaluated: 2025-12-26. Review status: criteria provided, single submitter. Criteria: Invitae Variant Classification Sherloc (09022015). Collection method: clinical testing. Allele origin: germline.
Comment: This sequence change replaces threonine, which is neutral and polar, with isoleucine, which is neutral and non-polar, at codon 155 of the MMP9 protein (p.Thr155Ile). This variant is present in population databases (rs143024943, gnomAD 0.09%), and has an allele count higher than expected for a pathogenic variant. This variant has not been reported in the literature in individuals affected with MMP9-related conditions. ClinVar contains an entry for this variant (Variation ID: 338547). Invitae Evidence Modeling of protein sequence and biophysical properties (such as structural, functional, and spatial information, amino acid conservation, physicochemical variation, residue mobility, and thermodynamic stability) indicates that this missense variant is not expected to disrupt MMP9 protein function with a negative predictive value of 80%. In summary, the available evidence is currently insufficient to determine the role of this variant in disease. Therefore, it has been classified as a Variant of Uncertain Significance.

Illumina Laboratory Services, Illumina
Classification: Uncertain significance for Metaphyseal anadysplasia 2. Last evaluated: 2018-01-12. Review status: criteria provided, single submitter. Criteria: ICSL Variant Classification Criteria 13 December 2019. Collection method: clinical testing. Allele origin: germline.